The following is an entry in ClinVar:

NM_001035.3(RYR2):c.14569A>G (p.Ile4857Val)

Gene: RYR2 (ryanodine receptor 2; plus strand). Cytogenetic location: 1q43.
Variant type: single nucleotide variant.
Coding change: c.14569A>G on transcript NM_001035.3 (MANE Select); coding-DNA position 14569, A replaced by G.
Protein change: p.Ile4857Val; replaces isoleucine 4857 with valine.
Molecular consequence: missense variant.
Genome position (GRCh38, 1-based): chr1:237,819,171, A>G. VCF-style: chr1-237819171-A-G. GRCh37 (hg19) VCF-style: chr1-237982471-A-G.
Other names: c.14569A>G, p.Ile4857Val (LRG_402t1); short protein forms I4857V.
Identifiers: ClinVar variation 426248 (VCV000426248.9), dbSNP rs1085307524, ClinGen allele CA345426727.
Genomic context (GRCh38, chr1:237,819,171, plus strand): 5'-GATGAATATGAGATCTATCGAATCATCTTTGACATCACTTTCTTCTTCTTTGTTATTGTC[A>G]TTCTCTTGGCCATAATACAAGGTAAGTATCCTCCTCACTGAAGCTGATGAACATCTAGAA-3'
Protein context (NP_001026.2, residues 4847-4867): DITFFFFVIV[Ile4857Val]LLAIIQGLII

ClinVar aggregate classification (germline): Conflicting classifications of pathogenicity. Review status: criteria provided, conflicting classifications (1 of 4 stars). 4 submissions from 4 submitters: Pathogenic (1); Uncertain significance (3). Last evaluated 2025-08-11.

Conditions:
Cardiovascular phenotype. Identifiers: MedGen CN230736.
Catecholaminergic polymorphic ventricular tachycardia 1. Also called: RYR2-Related Catecholaminergic Polymorphic Ventricular Tachycardia; VENTRICULAR TACHYCARDIA, STRESS-INDUCED POLYMORPHIC 1; VENTRICULAR TACHYCARDIA, CATECHOLAMINERGIC POLYMORPHIC, 1, WITH OR WITHOUT ATRIAL DYSFUNCTION AND/OR DILATED CARDIOMYOPATHY. Identifiers: Orphanet 3286, MedGen C1631597, MONDO:0011484, OMIM 604772.

Submissions (4):

Ambry Genetics
Classification: Uncertain significance for Cardiovascular phenotype. Last evaluated: 2025-08-11. Review status: criteria provided, single submitter. Criteria: Ambry Variant Classification Scheme 2023. Collection method: clinical testing. Allele origin: germline.
Comment: The c.14569A>G (p.I4857V) alteration is located in exon 101 (coding exon 101) of the RYR2 gene. This alteration results from a A to G substitution at nucleotide position 14569, causing the isoleucine (I) at amino acid position 4857 to be replaced by a valine (V). This variant was not reported in population-based cohorts in the Genome Aggregation Database (gnomAD). This variant was reported in individual(s) with features consistent with catecholaminergic polymorphic ventricular tachycardia (CPVT) (Lee, 2024). This amino acid position is highly conserved in available vertebrate species. This alteration is predicted to be deleterious by in silico analysis. Based on insufficient or conflicting evidence, the clinical significance of this alteration remains unclear.

Labcorp Genetics (formerly Invitae), Labcorp
Classification: Uncertain significance for Catecholaminergic polymorphic ventricular tachycardia 1. Last evaluated: 2022-02-22. Review status: criteria provided, single submitter. Criteria: Invitae Variant Classification Sherloc (09022015). Collection method: clinical testing. Allele origin: germline.
Comment: This variant has not been reported in the literature in individuals affected with RYR2-related conditions. ClinVar contains an entry for this variant (Variation ID: 426248). Advanced modeling of protein sequence and biophysical properties (such as structural, functional, and spatial information, amino acid conservation, physicochemical variation, residue mobility, and thermodynamic stability) performed at Invitae indicates that this missense variant is expected to disrupt RYR2 protein function. In summary, the available evidence is currently insufficient to determine the role of this variant in disease. Therefore, it has been classified as a Variant of Uncertain Significance. This sequence change replaces isoleucine, which is neutral and non-polar, with valine, which is neutral and non-polar, at codon 4857 of the RYR2 protein (p.Ile4857Val). This variant is not present in population databases (gnomAD no frequency).

Victorian Clinical Genetics Services, Murdoch Childrens Research Institute
Classification: Pathogenic for Catecholaminergic polymorphic ventricular tachycardia 1. Last evaluated: 2022-02-02. Review status: criteria provided, single submitter. Criteria: ACMG Guidelines, 2015. Collection method: clinical testing. Allele origin: germline. Inheritance: Autosomal dominant inheritance. Affected: yes.
Comment: Based on the classification scheme VCGS_Germline_v1.3.4, this variant is classified as Pathogenic. Following criteria are met: 0103 - Dominant negative and gain of function are known mechanisms of disease in this gene and are associated with catecholaminergic polymorphic ventricular tachycardia 1 (CPVT; MIM#604772) (PMIDs: 12459180, 27646203, 29477366). (I) 0107 - This gene is associated with autosomal dominant disease. (I) 0112 - The condition associated with this gene has incomplete penetrance. Penetrance for CPVT is estimated to be 60-70% (PMID: 23549275). (I) 0200 - Variant is predicted to result in a missense amino acid change from isoleucine to valine. (I) 0251 - This variant is heterozygous. (I) 0301 - Variant is absent from gnomAD (both v2 and v3). (SP) 0501 - Missense variant consistently predicted to be damaging by multiple in silico tools or highly conserved with a major amino acid change. (SP) 0602 - Variant is located in a hotspot region or cluster of pathogenic variants (PMID: 19926015). (SP) 0704 - Another variant comparable to the one identified in this case has limited previous evidence for pathogenicity. An alternative change to an asparagine has been reported to be de novo in an individual with dilated cardiomyopathy (PMID: 31931689). (SP) 0801 - This variant has strong previous evidence of pathogenicity in unrelated individuals. This variant has been reported to be de novo in three unrelated probands (GeneDx, PMID: 28191890). (SP) 0905 - No published segregation evidence has been identified for this variant. (I) 1007 - No published functional evidence has been identified for this variant. (I) 1204 - Inheritance information for this variant is unknown in this individual. (I) Legend: (SP) - Supporting pathogenic, (I) - Information, (SB) - Supporting benign

GeneDx
Classification: Uncertain significance. Last evaluated: 2017-04-24. Review status: criteria provided, single submitter. Criteria: GeneDx Variant Classification (06012015). Collection method: clinical testing. Allele origin: germline. Affected: yes.
Comment: A variant of uncertain significance has been identified in the RYR2 gene. The I4857V variant has not been published as pathogenic or been reported as benign to our knowledge. This variant is not observed in large population cohorts (Lek et al., 2016; 1000 Genomes Consortium et al., 2015; Exome Variant Server). This substitution occurs at a position that is conserved across species and in silico analysis suggests that this variant is probably damaging to the protein structure/function. Additionally, the I4857V variant is located in one of the three hot-spot regions of the RYR2 gene, where the majority of pathogenic missense variants occur (Medeiros-Domingo et al., 2009). However, the I4857V variant is a conservative amino acid substitution, which is not likely to impact secondary protein structure as these residues share similar properties.

Literature cited by the submitters: PubMed 39733778 (cited by Ambry Genetics); PubMed 12459180 (cited by Victorian Clinical Genetics Services, Murdoch Childrens Research Institute); PubMed 19926015 (cited by Victorian Clinical Genetics Services, Murdoch Childrens Research Institute); PubMed 23549275 (cited by Victorian Clinical Genetics Services, Murdoch Childrens Research Institute); PubMed 27646203 (cited by Victorian Clinical Genetics Services, Murdoch Childrens Research Institute); PubMed 28191890 (cited by Victorian Clinical Genetics Services, Murdoch Childrens Research Institute); PubMed 29477366 (cited by Victorian Clinical Genetics Services, Murdoch Childrens Research Institute); PubMed 31931689 (cited by Victorian Clinical Genetics Services, Murdoch Childrens Research Institute).